The following is an entry in ClinVar:

NM_000388.4(CASR):c.2594C>G (p.Ser865Cys)

Gene: CASR (calcium sensing receptor; plus strand). Cytogenetic location: 3q21.1.
Variant type: single nucleotide variant.
Coding change: c.2594C>G on transcript NM_000388.4 (MANE Select); coding-DNA position 2594, C replaced by G.
Protein change: p.Ser865Cys; replaces serine 865 with cysteine.
Molecular consequence: missense variant.
Genome position (GRCh38, 1-based): chr3:122,284,548, C>G. VCF-style: chr3-122284548-C-G. GRCh37 (hg19) VCF-style: chr3-122003395-C-G.
Other names: c.2594C>G (NM_000388.3); c.2624C>G, p.Ser875Cys (NM_001178065.2); short protein forms S865C, S875C.
Identifiers: ClinVar variation 1005741 (VCV001005741.12), dbSNP rs2074941438, ClinGen allele CA354160368.

ClinVar aggregate classification (germline): Uncertain significance. Review status: criteria provided, multiple submitters, no conflicts (2 of 4 stars). 4 submissions from 4 submitters: Uncertain significance (4). Last evaluated 2024-05-15.

Conditions:
Familial hypocalciuric hypercalcemia 1. Also called: Hypercalcemia, familial benign type 1. Identifiers: Orphanet 405, Orphanet 93372, MedGen C0342637, MONDO:0007791, OMIM 145980.
Neonatal severe primary hyperparathyroidism. Identifiers: Orphanet 417, MedGen C1832615, MONDO:0009397, OMIM 239200.
Autosomal dominant hypocalcemia 1 (HYPOC1). Also called: HYPOCALCEMIA, FAMILIAL. Identifiers: MedGen C3715128, MONDO:0011013, OMIM 601198.
Epilepsy, idiopathic generalized, susceptibility to, 8. Identifiers: MedGen C2752062, MONDO:0013032, OMIM 612899.
Nephrolithiasis/nephrocalcinosis. Identifiers: MedGen CN580796.
Familial hypocalciuric hypercalcemia (FHH). Also called: Familial benign hypercalcemia. Identifiers: Orphanet 405, MedGen C1809471, MONDO:0018458.

Allele frequency attached by ClinVar (database versions not stated): gnomAD exomes below 0.00001.
gnomAD v4.1: 1 of 1,614,034 alleles (0.000062%); highest among the groups gnomAD compares: Non-Finnish European, 0.000085%; no homozygotes.

Submissions (4):

Fulgent Genetics
Classification: Uncertain significance for Familial hypocalciuric hypercalcemia 1; Neonatal severe primary hyperparathyroidism; Autosomal dominant hypocalcemia 1; Epilepsy, idiopathic generalized, susceptibility to, 8. Last evaluated: 2024-05-15. Review status: criteria provided, single submitter. Criteria: ACMG Guidelines, 2015. Collection method: clinical testing. Allele origin: germline.

Labcorp Genetics (formerly Invitae), Labcorp
Classification: Uncertain significance for Familial hypocalciuric hypercalcemia; Autosomal dominant hypocalcemia 1. Last evaluated: 2023-11-24. Review status: criteria provided, single submitter. Criteria: Invitae Variant Classification Sherloc (09022015). Collection method: clinical testing. Allele origin: germline.
Comment: This sequence change replaces serine, which is neutral and polar, with cysteine, which is neutral and slightly polar, at codon 865 of the CASR protein (p.Ser865Cys). This variant is not present in population databases (gnomAD no frequency). This variant has not been reported in the literature in individuals affected with CASR-related conditions. ClinVar contains an entry for this variant (Variation ID: 1005741). An algorithm developed to predict the effect of missense changes on protein structure and function (PolyPhen-2) suggests that this variant is likely to be tolerated. In summary, the available evidence is currently insufficient to determine the role of this variant in disease. Therefore, it has been classified as a Variant of Uncertain Significance.

Ambry Genetics
Classification: Uncertain significance for Nephrolithiasis/nephrocalcinosis. Last evaluated: 2023-07-15. Review status: criteria provided, single submitter. Criteria: Ambry Variant Classification Scheme 2023. Collection method: clinical testing. Allele origin: germline.
Comment: The p.S865C variant (also known as c.2594C>G), located in coding exon 6 of the CASR gene, results from a C to G substitution at nucleotide position 2594. The serine at codon 865 is replaced by cysteine, an amino acid with dissimilar properties. This amino acid position is conserved. In addition, this alteration is predicted to be tolerated by in silico analysis. Since supporting evidence is limited at this time, the clinical significance of this alteration remains unclear.

Blueprint Genetics
Classification: Uncertain significance. Last evaluated: 2023-06-09. Review status: criteria provided, single submitter. Criteria: ACMG Guidelines, 2015. Collection method: clinical testing. Allele origin: germline.